The following is an entry in ClinVar:

NM_002114.4(HIVEP1):c.1846T>C (p.Leu616=)

Gene: HIVEP1 (HIVEP zinc finger 1; plus strand). Cytogenetic location: 6p24.1.
Variant type: single nucleotide variant.
Coding change: c.1846T>C on transcript NM_002114.4 (MANE Select); coding-DNA position 1846, T replaced by C.
Protein change: p.Leu616=; no amino-acid change (leucine 616 retained).
Molecular consequence: synonymous variant.
Genome position (GRCh38, 1-based): chr6:12,121,641, T>C. VCF-style: chr6-12121641-T-C. GRCh37 (hg19) VCF-style: chr6-12121874-T-C.
Identifiers: ClinVar variation 3250746 (VCV003250746.18), dbSNP rs2481140509.

ClinVar aggregate classification (germline): Likely benign (1 of 4 stars; one submission).

gnomAD v4.1: 1 of 1,613,934 alleles (0.000062%); no homozygotes.

Submission:

CeGaT Center for Human Genetics Tuebingen
Classification: Likely benign. Last evaluated: 2024-06-01. Review status: criteria provided, single submitter. Criteria: CeGaT Center For Human Genetics Tuebingen Variant Classification Criteria Version 2. Collection method: clinical testing. Allele origin: germline. Affected: yes. Observed: 1 variant allele.
Comment: HIVEP1: PM2:Supporting, BP4, BP7